The following is an entry in ClinVar:

ClinVar aggregate classification (germline): Uncertain significance. Review status: criteria provided, multiple submitters, no conflicts (2 of 4 stars). 2 submissions from 2 submitters: Uncertain significance (2). Last evaluated 2026-07-31.

Allele frequency attached by ClinVar (database versions not stated): gnomAD exomes below 0.00001 and 0.00002; TOPMed 0.00005; gnomAD 0.00004.
gnomAD v4.1: 42 of 1,613,300 alleles (0.0026%); highest among the groups gnomAD compares: African/African-American, 0.0053%; no homozygotes.

Submissions (2):

GeneDx
Classification: Uncertain significance. Last evaluated: 2026-07-31. Review status: criteria provided, single submitter. Criteria: GeneDx Variant Classification Process June 2021. Collection method: clinical testing. Allele origin: germline.
Comment: Reported previously in a cohort of patients with minimal cerebral small vessel disease without evidence of brain infarcts; however, detailed clinical information of the patient(s) were not provided (PMID: 30859180); Not observed at significant frequency in large population cohorts (gnomAD); In silico analysis supports that this missense variant has a deleterious effect on protein structure/function; This variant is associated with the following publications: (PMID: 30859180)

Women's Health and Genetics/Laboratory Corporation of America, LabCorp
Classification: Uncertain significance. Last evaluated: 2025-05-13. Review status: criteria provided, single submitter. Criteria: LabCorp Variant Classification Summary - May 2015. Collection method: clinical testing. Allele origin: germline.
Comment: Variant summary: NOTCH3 c.983C>T (p.Thr328Ile) results in a non-conservative amino acid change in the encoded protein sequence. Algorithms developed to predict the effect of missense changes on protein structure and function all suggest that this variant is likely to be disruptive. The variant allele was found at a frequency of 4e-06 in 250008 control chromosomes. The available data on variant occurrences in the general population are insufficient to allow any conclusion about variant significance. c.983C>T has been observed in at least one individual affected with cerebral small vessel disease. These report(s) do not provide unequivocal conclusions about association of the variant with Cerebral arteriopathy, autosomal dominant, with subcortical infarcts and leukoencephalopathy, type 1. To our knowledge, no experimental evidence demonstrating an impact on protein function has been reported. The following publication have been ascertained in the context of this evaluation (PMID: 30859180). ClinVar contains an entry for this variant (Variation ID: 1309475). Based on the evidence outlined above, the variant was classified as uncertain significance.

Literature cited by the submitters: PubMed 30859180 (cited by Women's Health and Genetics/Laboratory Corporation of America, LabCorp).

NM_000435.3(NOTCH3):c.983C>T (p.Thr328Ile)

Gene: NOTCH3 (notch receptor 3; minus strand). Cytogenetic location: 19p13.12.
Variant type: single nucleotide variant.
Coding change: c.983C>T on transcript NM_000435.3 (MANE Select); coding-DNA position 983, C replaced by T.
Protein change: p.Thr328Ile; replaces threonine 328 with isoleucine.
Molecular consequence: missense variant.
Genome position (GRCh38, 1-based): chr19:15,191,477, G>A on the plus strand (C>T on the coding strand, the complement: NOTCH3 is on the minus strand). VCF-style: chr19-15191477-G-A. GRCh37 (hg19) VCF-style: chr19-15302288-G-A.
Other names: short protein forms T328I.
Identifiers: ClinVar variation 1309475 (VCV001309475.4), dbSNP rs769567750, ClinGen allele CA305777119.
Genomic context (GRCh38, chr19:15,191,477, plus strand): 5'-CACTCACCAGTCTTGCCCATGGGGCAGGCACAGTAGAAAGAAGCCACGCGGTCATGGCAG[G>A]TGGCCCCATGGAAGCACACGGCTGTGGCACAGTCATCGATATTCTGACTGCAGCTCTCGC-3'
Protein context (NP_000426.2, residues 318-338): CATAVCFHGA[Thr328Ile]CHDRVASFYC